The following is an entry in ClinVar:

NM_004278.4(PIGL):c.163A>G (p.Met55Val)

Gene: PIGL (phosphatidylinositol glycan anchor biosynthesis class L; plus strand). Cytogenetic location: 17p11.2.
Variant type: single nucleotide variant.
Coding change: c.163A>G on transcript NM_004278.4 (MANE Select); coding-DNA position 163, A replaced by G.
Protein change: p.Met55Val; replaces methionine 55 with valine.
Molecular consequence: missense variant.
Genome position (GRCh38, 1-based): chr17:16,217,389, A>G. VCF-style: chr17-16217389-A-G. GRCh37 (hg19) VCF-style: chr17-16120703-A-G.
Other names: c.163A>G (NM_004278.3); short protein forms M55V.
Identifiers: ClinVar variation 1425840 (VCV001425840.8), dbSNP rs751560960, ClinGen allele CA8409761.
Genomic context (GRCh38, chr17:16,217,389, plus strand): 5'-GGACGGCTGGGAGCCGAAAGCCGGACCCTGCTGGTCATAGCGCACCCTGACGATGAAGCC[A>G]TGTTTTTTGCTCCCACAGTGCTAGGCTTGGCCCGCCTAAGGCACTGGGTGTACCTGCTTT-3'
Protein context (NP_004269.1, residues 45-65): LVIAHPDDEA[Met55Val]FFAPTVLGLA

ClinVar aggregate classification (germline): Uncertain significance. Review status: criteria provided, multiple submitters, no conflicts (2 of 4 stars). 2 submissions from 2 submitters: Uncertain significance (2). Last evaluated 2025-07-10.

Conditions:
Inborn genetic diseases. Identifiers: MedGen C0950123, MeSH D030342.

Allele frequency attached by ClinVar (database versions not stated): gnomAD 0.00001; ExAC 0.00003; TOPMed 0.00006.

Submissions (2):

Ambry Genetics
Classification: Uncertain significance for Inborn genetic diseases. Last evaluated: 2025-07-10. Review status: criteria provided, single submitter. Criteria: Ambry Variant Classification Scheme 2023. Collection method: clinical testing. Allele origin: germline.

Labcorp Genetics (formerly Invitae), Labcorp
Classification: Uncertain significance. Last evaluated: 2023-10-09. Review status: criteria provided, single submitter. Criteria: Invitae Variant Classification Sherloc (09022015). Collection method: clinical testing. Allele origin: germline.
Comment: This sequence change replaces methionine, which is neutral and non-polar, with valine, which is neutral and non-polar, at codon 55 of the PIGL protein (p.Met55Val). This variant is present in population databases (rs751560960, gnomAD 0.06%). This variant has not been reported in the literature in individuals affected with PIGL-related conditions. ClinVar contains an entry for this variant (Variation ID: 1425840). Advanced modeling of protein sequence and biophysical properties (such as structural, functional, and spatial information, amino acid conservation, physicochemical variation, residue mobility, and thermodynamic stability) has been performed at Invitae for this missense variant, however the output from this modeling did not meet the statistical confidence thresholds required to predict the impact of this variant on PIGL protein function. In summary, the available evidence is currently insufficient to determine the role of this variant in disease. Therefore, it has been classified as a Variant of Uncertain Significance.